The following is an entry in ClinVar:

ClinVar aggregate classification (germline): Uncertain significance (1 of 4 stars; one submission).

Conditions:
Joubert syndrome 14 (JBTS14). Identifiers: MedGen C3280766, MONDO:0013745, OMIM 614424.

Allele frequency attached by ClinVar (database versions not stated): gnomAD 0.00001; ExAC 0.00002; TOPMed 0.00002; ESP Exome Variant Server 0.00008.
gnomAD v4.1: 9 of 1,604,946 alleles (0.00056%); highest among the groups gnomAD compares: Non-Finnish European, 0.00077%; no homozygotes.

Submission:

Labcorp Genetics (formerly Invitae), Labcorp
Classification: Uncertain significance for Joubert syndrome 14. Last evaluated: 2022-07-26. Review status: criteria provided, single submitter. Criteria: Invitae Variant Classification Sherloc (09022015). Collection method: clinical testing. Allele origin: germline.
Comment: This sequence change replaces serine, which is neutral and polar, with proline, which is neutral and non-polar, at codon 372 of the TMEM237 protein (p.Ser372Pro). The frequency data for this variant in the population databases is considered unreliable, as metrics indicate poor data quality at this position in the gnomAD database. In summary, the available evidence is currently insufficient to determine the role of this variant in disease. Therefore, it has been classified as a Variant of Uncertain Significance. Algorithms developed to predict the effect of missense changes on protein structure and function are either unavailable or do not agree on the potential impact of this missense change (SIFT: "Deleterious"; PolyPhen-2: "Probably Damaging"; Align-GVGD: "Class C0"). This variant has not been reported in the literature in individuals affected with TMEM237-related conditions.

NM_001044385.3(TMEM237):c.1114T>C (p.Ser372Pro)

Gene: TMEM237 (transmembrane protein 237; minus strand). Cytogenetic location: 2q33.1.
Variant type: single nucleotide variant.
Coding change: c.1114T>C on transcript NM_001044385.3 (MANE Select); coding-DNA position 1114, T replaced by C.
Protein change: p.Ser372Pro; replaces serine 372 with proline.
Molecular consequence: missense variant.
Genome position (GRCh38, 1-based): chr2:201,626,071, A>G on the plus strand (T>C on the coding strand, the complement: TMEM237 is on the minus strand). VCF-style: chr2-201626071-A-G. GRCh37 (hg19) VCF-style: chr2-202490794-A-G.
Other names: c.1090T>C, p.Ser364Pro (NM_152388.4); short protein forms S364P, S372P.
Identifiers: ClinVar variation 2050269 (VCV002050269.4), dbSNP rs370795793, ClinGen allele CA2056298.
Genomic context (GRCh38, chr2:201,626,071, plus strand): 5'-TTTTTTCTTTAATACCTTCACTAAGATCCATGCCTGGCCTATAAGACAAAAATAGCCAAG[A>G]TAATCCAACCAGAAGAGCCACCACGAGATTCACCACAATCCATGGCTGGAGAATCTGTTC-3'
Protein context (NP_001037850.1, residues 362-382): NLVVALLVGL[Ser372Pro]WLFLSYRPGM